The following is an entry in ClinVar:

ClinVar aggregate classification (germline): Likely pathogenic (1 of 4 stars; one submission).

Conditions:
Dystonia 28, childhood-onset (DYT28). Also called: KMT2B-Related Dystonia (DYT-KMT2B). Identifiers: Orphanet 589618, MedGen C4310633, MONDO:0015004, OMIM 617284.

Allele frequency attached by ClinVar (database versions not stated): gnomAD exomes below 0.00001.
gnomAD v4.1: 1 of 1,613,706 alleles (0.000062%); highest among the groups gnomAD compares: Non-Finnish European, 0.000085%; no homozygotes.

Submission:

Rady Children's Institute for Genomic Medicine, Rady Children's Hospital San Diego
Classification: Likely pathogenic for Dystonia 28, childhood-onset. Review status: criteria provided, single submitter. Criteria: ACMG Guidelines, 2015. Collection method: clinical testing. Allele origin: germline. Affected: yes.
Comment: This variant has not been previously reported or functionally characterized in the literature to our knowledge. The c.5002C>T (p.Arg1668Trp) variant is absent from the gnomAD population database and thus is presumed to be rare. It affects a moderately conserved amino acid and is predicted by multiple in silico tools to have a deleterious effect on protein function. Analysis of the parental samples was negative for the variant, indicating this variant likely occurred as a de novo event. Based on the available evidence, the c.5002C>T (p.Arg1668Trp) variant is classified as Likely Pathogenic.

NM_014727.3(KMT2B):c.5002C>T (p.Arg1668Trp)

Gene: KMT2B (lysine methyltransferase 2B; plus strand). Cytogenetic location: 19q13.12.
Variant type: single nucleotide variant.
Coding change: c.5002C>T on transcript NM_014727.3 (MANE Select); coding-DNA position 5002, C replaced by T.
Protein change: p.Arg1668Trp; replaces arginine 1668 with tryptophan.
Molecular consequence: missense variant.
Genome position (GRCh38, 1-based): chr19:35,730,051, C>T. VCF-style: chr19-35730051-C-T. GRCh37 (hg19) VCF-style: chr19-36220952-C-T.
Other names: short protein forms R1668W.
Identifiers: ClinVar variation 2584428 (VCV002584428.1), dbSNP rs2513344824, ClinGen allele CA405419040.